The following is an entry in ClinVar:

ClinVar aggregate classification (germline): Uncertain significance (1 of 4 stars; one submission).

Conditions:
Familial sleep-related hypermotor epilepsy. Also called: Autosomal Dominant Sleep-Related Hypermotor (Hyperkinetic) Epilepsy. Identifiers: Orphanet 98784, MedGen C3696898, MONDO:0000030.

Allele frequency attached by ClinVar (database versions not stated): TOPMed below 0.00001; gnomAD exomes 0.00001.
gnomAD v4.1: 9 of 1,614,108 alleles (0.00056%); highest among the groups gnomAD compares: Middle Eastern, 0.016%; no homozygotes.

Submission:

Labcorp Genetics (formerly Invitae), Labcorp
Classification: Uncertain significance. Last evaluated: 2022-08-02. Review status: criteria provided, single submitter. Criteria: Invitae Variant Classification Sherloc (09022015). Collection method: clinical testing. Allele origin: germline.
Comment: In summary, the available evidence is currently insufficient to determine the role of this variant in disease. Therefore, it has been classified as a Variant of Uncertain Significance. Advanced modeling of protein sequence and biophysical properties (such as structural, functional, and spatial information, amino acid conservation, physicochemical variation, residue mobility, and thermodynamic stability) performed at Invitae indicates that this missense variant is expected to disrupt CHRNB2 protein function. This variant has not been reported in the literature in individuals affected with CHRNB2-related conditions. This variant is present in population databases (no rsID available, gnomAD 0.003%). This sequence change replaces proline, which is neutral and non-polar, with leucine, which is neutral and non-polar, at codon 234 of the CHRNB2 protein (p.Pro234Leu).

NM_000748.3(CHRNB2):c.701C>T (p.Pro234Leu)

Gene: CHRNB2 (cholinergic receptor nicotinic beta 2 subunit; plus strand). Cytogenetic location: 1q21.3.
Variant type: single nucleotide variant.
Coding change: c.701C>T on transcript NM_000748.3 (MANE Select); coding-DNA position 701, C replaced by T.
Protein change: p.Pro234Leu; replaces proline 234 with leucine.
Molecular consequence: missense variant.
Genome position (GRCh38, 1-based): chr1:154,571,524, C>T. VCF-style: chr1-154571524-C-T. GRCh37 (hg19) VCF-style: chr1-154544000-C-T.
Other names: short protein forms P234L.
Identifiers: ClinVar variation 2070167 (VCV002070167.4), dbSNP rs1450162279, ClinGen allele CA342630654.